The following is an entry in ClinVar:

ClinVar aggregate classification (germline): Uncertain significance (1 of 4 stars; one submission).

Conditions:
Noonan syndrome 9 (NS9). Identifiers: Orphanet 648, MedGen C4225282, MONDO:0014691, OMIM 616559.

Submission:

Labcorp Genetics (formerly Invitae), Labcorp
Classification: Uncertain significance for Noonan syndrome 9. Last evaluated: 2023-09-10. Review status: criteria provided, single submitter. Criteria: Invitae Variant Classification Sherloc (09022015). Collection method: clinical testing. Allele origin: germline.
Comment: In summary, the available evidence is currently insufficient to determine the role of this variant in disease. Therefore, it has been classified as a Variant of Uncertain Significance. Advanced modeling of protein sequence and biophysical properties (such as structural, functional, and spatial information, amino acid conservation, physicochemical variation, residue mobility, and thermodynamic stability) has been performed at Invitae for this missense variant, however the output from this modeling did not meet the statistical confidence thresholds required to predict the impact of this variant on SOS2 protein function. This variant has not been reported in the literature in individuals affected with SOS2-related conditions. This variant is not present in population databases (gnomAD no frequency). This sequence change replaces valine, which is neutral and non-polar, with alanine, which is neutral and non-polar, at codon 604 of the SOS2 protein (p.Val604Ala).

NM_006939.4(SOS2):c.1811T>C (p.Val604Ala)

Gene: SOS2 (SOS Ras/Rho guanine nucleotide exchange factor 2; minus strand). Cytogenetic location: 14q21.3.
Variant type: single nucleotide variant.
Coding change: c.1811T>C on transcript NM_006939.4 (MANE Select); coding-DNA position 1811, T replaced by C.
Protein change: p.Val604Ala; replaces valine 604 with alanine.
Molecular consequence: missense variant.
Genome position (GRCh38, 1-based): chr14:50,159,472, A>G on the plus strand (T>C on the coding strand, the complement: SOS2 is on the minus strand). VCF-style: chr14-50159472-A-G. GRCh37 (hg19) VCF-style: chr14-50626190-A-G.
Other names: c.1712T>C, p.Val571Ala (NM_001411020.1); short protein forms V571A, V604A.
Identifiers: ClinVar variation 2759886 (VCV002759886.3), dbSNP rs2502987857, ClinGen allele CA389644918.